The following is an entry in ClinVar:

ClinVar aggregate classification (germline): Uncertain significance (1 of 4 stars; one submission).

Allele frequency attached by ClinVar (database versions not stated): ExAC 0.00001; gnomAD exomes 0.00001.
gnomAD v4.1: 14 of 1,608,128 alleles (0.00087%); highest among the groups gnomAD compares: Non-Finnish European, 0.0011%; no homozygotes.

Submission:

Labcorp Genetics (formerly Invitae), Labcorp
Classification: Uncertain significance. Last evaluated: 2022-04-15. Review status: criteria provided, single submitter. Criteria: Invitae Variant Classification Sherloc (09022015). Collection method: clinical testing. Allele origin: germline.
Comment: This sequence change replaces arginine, which is basic and polar, with cysteine, which is neutral and slightly polar, at codon 238 of the BMP1 protein (p.Arg238Cys). The frequency data for this variant in the population databases is considered unreliable, as metrics indicate poor data quality at this position in the gnomAD database. This variant has not been reported in the literature in individuals affected with BMP1-related conditions. Algorithms developed to predict the effect of missense changes on protein structure and function (SIFT, PolyPhen-2, Align-GVGD) all suggest that this variant is likely to be disruptive. In summary, the available evidence is currently insufficient to determine the role of this variant in disease. Therefore, it has been classified as a Variant of Uncertain Significance.

NM_006129.5(BMP1):c.712C>T (p.Arg238Cys)

Gene: BMP1 (bone morphogenetic protein 1; plus strand). Cytogenetic location: 8p21.3.
Variant type: single nucleotide variant.
Coding change: c.712C>T on transcript NM_006129.5 (MANE Select); coding-DNA position 712, C replaced by T.
Protein change: p.Arg238Cys; replaces arginine 238 with cysteine.
Molecular consequence: missense variant. On other transcripts: non-coding transcript variant (2).
Genome position (GRCh38, 1-based): chr8:22,177,121, C>T. VCF-style: chr8-22177121-C-T. GRCh37 (hg19) VCF-style: chr8-22034634-C-T.
Other names: c.712C>T, p.Arg238Cys (NM_001199.4); short protein forms R238C.
Identifiers: ClinVar variation 2077079 (VCV002077079.1), dbSNP rs759722432, ClinGen allele CA4664335.
Genomic context (GRCh38, chr8:22,177,121, plus strand): 5'-GTCGTCGGCTTCTGGCACGAACACACTCGGCCAGACCGGGACCGCCACGTTTCCATCGTT[C>T]GTGAGAACATCCAGCCAGGTAGGTACCTGCCCCTCGGTGCGGCCTTGGTGGGCGGCTCCC-3'
Protein context (NP_006120.1, residues 228-248): PDRDRHVSIV[Arg238Cys]ENIQPGQEYN